The following is an entry in ClinVar:

NM_015295.3(SMCHD1):c.2140C>G (p.Pro714Ala)

Gene: SMCHD1 (structural maintenance of chromosomes flexible hinge domain containing 1; plus strand). Cytogenetic location: 18p11.32.
Variant type: single nucleotide variant.
Coding change: c.2140C>G on transcript NM_015295.3 (MANE Select); coding-DNA position 2140, C replaced by G.
Protein change: p.Pro714Ala; replaces proline 714 with alanine.
Molecular consequence: missense variant.
Genome position (GRCh38, 1-based): chr18:2,707,639, C>G. VCF-style: chr18-2707639-C-G. GRCh37 (hg19) VCF-style: chr18-2707637-C-G.
Other names: short protein forms P714A.
Identifiers: ClinVar variation 2413421 (VCV002413421.6), dbSNP rs2510041481, ClinGen allele CA401680198.

ClinVar aggregate classification (germline): Uncertain significance (1 of 4 stars; one submission).

Conditions:
Facioscapulohumeral muscular dystrophy 2 (FSHD2). Also called: MUSCULAR DYSTROPHY, FACIOSCAPULOHUMERAL, TYPE 1B; FACIOSCAPULOHUMERAL MUSCULAR DYSTROPHY 2, DIGENIC; FSHD2, DIGENIC. Identifiers: Orphanet 269, MedGen C1834671, MONDO:0008031, OMIM 158901.

gnomAD v4.1: 2 of 1,591,062 alleles (0.00013%); highest among the groups gnomAD compares: Non-Finnish European, 0.00017%; no homozygotes.

Submission:

Labcorp Genetics (formerly Invitae), Labcorp
Classification: Uncertain significance for Facioscapulohumeral muscular dystrophy 2. Last evaluated: 2022-09-02. Review status: criteria provided, single submitter. Criteria: Invitae Variant Classification Sherloc (09022015). Collection method: clinical testing. Allele origin: germline.
Comment: In summary, the available evidence is currently insufficient to determine the role of this variant in disease. Therefore, it has been classified as a Variant of Uncertain Significance. Algorithms developed to predict the effect of missense changes on protein structure and function are either unavailable or do not agree on the potential impact of this missense change (SIFT: "Deleterious"; PolyPhen-2: "Benign"; Align-GVGD: "Class C0"). This variant has not been reported in the literature in individuals affected with SMCHD1-related conditions. This variant is not present in population databases (gnomAD no frequency). This sequence change replaces proline, which is neutral and non-polar, with alanine, which is neutral and non-polar, at codon 714 of the SMCHD1 protein (p.Pro714Ala).